The following is an entry in ClinVar:

NM_002653.5(PITX1):c.711G>A (p.Met237Ile)

Gene: PITX1 (paired like homeodomain 1; minus strand). Cytogenetic location: 5q31.1.
Variant type: single nucleotide variant.
Coding change: c.711G>A on transcript NM_002653.5 (MANE Select); coding-DNA position 711, G replaced by A.
Protein change: p.Met237Ile; replaces methionine 237 with isoleucine.
Molecular consequence: missense variant.
Genome position (GRCh38, 1-based): chr5:135,029,013, C>T on the plus strand (G>A on the coding strand, the complement: PITX1 is on the minus strand). VCF-style: chr5-135029013-C-T. GRCh37 (hg19) VCF-style: chr5-134364703-C-T.
Other names: short protein forms M237I.
Identifiers: ClinVar variation 2975153 (VCV002975153.3), dbSNP rs1561470713, ClinGen allele CA361027675.

ClinVar aggregate classification (germline): Uncertain significance (1 of 4 stars; one submission).

Allele frequency attached by ClinVar (database versions not stated): TOPMed below 0.00001.
gnomAD v4.1: 1 of 1,614,204 alleles (0.000062%); highest among the groups gnomAD compares: African/African-American, 0.0013%; no homozygotes.

Submission:

Labcorp Genetics (formerly Invitae), Labcorp
Classification: Uncertain significance. Last evaluated: 2023-11-03. Review status: criteria provided, single submitter. Criteria: Invitae Variant Classification Sherloc (09022015). Collection method: clinical testing. Allele origin: germline.
Comment: This sequence change replaces methionine, which is neutral and non-polar, with isoleucine, which is neutral and non-polar, at codon 237 of the PITX1 protein (p.Met237Ile). This variant is not present in population databases (gnomAD no frequency). This variant has not been reported in the literature in individuals affected with PITX1-related conditions. Advanced modeling of protein sequence and biophysical properties (such as structural, functional, and spatial information, amino acid conservation, physicochemical variation, residue mobility, and thermodynamic stability) performed at Invitae indicates that this missense variant is not expected to disrupt PITX1 protein function with a negative predictive value of 80%. In summary, the available evidence is currently insufficient to determine the role of this variant in disease. Therefore, it has been classified as a Variant of Uncertain Significance.